The following is an entry in ClinVar:

NM_001447.3(FAT2):c.9031T>C (p.Cys3011Arg)

Genes: FAT2 (FAT atypical cadherin 2; minus strand), SLC36A1 (solute carrier family 36 member 1; plus strand). Cytogenetic location: 5q33.1.
Variant type: single nucleotide variant.
Coding change: c.9031T>C on transcript NM_001447.3 (MANE Select); coding-DNA position 9031, T replaced by C.
Protein change: p.Cys3011Arg; replaces cysteine 3011 with arginine.
Molecular consequence: missense variant.
Genome position (GRCh38, 1-based): chr5:151,540,575, A>G on the plus strand (T>C on the coding strand, the complement: FAT2 is on the minus strand). VCF-style: chr5-151540575-A-G. GRCh37 (hg19) VCF-style: chr5-150920136-A-G.
Other names: short protein forms C3011R.
Identifiers: ClinVar variation 3000799 (VCV003000799.3), dbSNP rs766733900, ClinGen allele CA3520693.

ClinVar aggregate classification (germline): Uncertain significance (1 of 4 stars; one submission).

Allele frequency attached by ClinVar (database versions not stated): gnomAD exomes below 0.00001; TOPMed 0.00001; ExAC 0.00003.
gnomAD v4.1: 3 of 1,612,548 alleles (0.00019%); highest among the groups gnomAD compares: Admixed American, 0.0033%; no homozygotes.

Submission:

Labcorp Genetics (formerly Invitae), Labcorp
Classification: Uncertain significance. Last evaluated: 2023-10-15. Review status: criteria provided, single submitter. Criteria: Invitae Variant Classification Sherloc (09022015). Collection method: clinical testing. Allele origin: germline.
Comment: This sequence change replaces cysteine, which is neutral and slightly polar, with arginine, which is basic and polar, at codon 3011 of the FAT2 protein (p.Cys3011Arg). This variant is present in population databases (rs766733900, gnomAD 0.009%). This variant has not been reported in the literature in individuals affected with FAT2-related conditions. Advanced modeling of protein sequence and biophysical properties (such as structural, functional, and spatial information, amino acid conservation, physicochemical variation, residue mobility, and thermodynamic stability) has been performed at Invitae for this missense variant, however the output from this modeling did not meet the statistical confidence thresholds required to predict the impact of this variant on FAT2 protein function. In summary, the available evidence is currently insufficient to determine the role of this variant in disease. Therefore, it has been classified as a Variant of Uncertain Significance.